The following is an entry in ClinVar:

NM_152383.5(DIS3L2):c.2225G>A (p.Arg742His)

Gene: DIS3L2 (DIS3 like 3'-5' exoribonuclease 2; plus strand). Cytogenetic location: 2q37.1.
Variant type: single nucleotide variant.
Coding change: c.2225G>A on transcript NM_152383.5 (MANE Select); coding-DNA position 2225, G replaced by A.
Protein change: p.Arg742His; replaces arginine 742 with histidine.
Molecular consequence: missense variant. On other transcripts: non-coding transcript variant (2), intron variant (1).
Genome position (GRCh38, 1-based): chr2:232,334,435, G>A. VCF-style: chr2-232334435-G-A. GRCh37 (hg19) VCF-style: chr2-233199145-G-A.
Other names: c.1582-8910G>A (NM_001257281.2); short protein forms R742H.
Identifiers: ClinVar variation 1059260 (VCV001059260.9), dbSNP rs759646382, ClinGen allele CA2164457.

ClinVar aggregate classification (germline): Uncertain significance (1 of 4 stars; one submission).

Conditions:
Perlman syndrome (PRLMNS). Identifiers: Orphanet 2849, MedGen C0796113, MONDO:0009965, OMIM 267000.

Allele frequency attached by ClinVar (database versions not stated): gnomAD exomes below 0.00001 and 0.00001; ExAC 0.00001; gnomAD 0.00001 and 0.00002; TOPMed 0.00002.
gnomAD v4.1: 10 of 1,613,740 alleles (0.00062%); highest among the groups gnomAD compares: East Asian, 0.0022%; no homozygotes.

Submission:

Labcorp Genetics (formerly Invitae), Labcorp
Classification: Uncertain significance for Perlman syndrome. Last evaluated: 2025-04-30. Review status: criteria provided, single submitter. Criteria: Invitae Variant Classification Sherloc (09022015). Collection method: clinical testing. Allele origin: germline.
Comment: This sequence change replaces arginine, which is basic and polar, with histidine, which is basic and polar, at codon 742 of the DIS3L2 protein (p.Arg742His). This variant is present in population databases (rs759646382, gnomAD 0.003%). This variant has not been reported in the literature in individuals affected with DIS3L2-related conditions. ClinVar contains an entry for this variant (Variation ID: 1059260). Invitae Evidence Modeling of protein sequence and biophysical properties (such as structural, functional, and spatial information, amino acid conservation, physicochemical variation, residue mobility, and thermodynamic stability) has been performed for this missense variant. However, the output from this modeling did not meet the statistical confidence thresholds required to predict the impact of this variant on DIS3L2 protein function. In summary, the available evidence is currently insufficient to determine the role of this variant in disease. Therefore, it has been classified as a Variant of Uncertain Significance.